The following is an entry in ClinVar:

NM_002386.4(MC1R):c.394C>T (p.Leu132Phe)

Gene: MC1R (melanocortin 1 receptor; plus strand). Cytogenetic location: 16q24.3.
Variant type: single nucleotide variant.
Coding change: c.394C>T on transcript NM_002386.4 (MANE Select); coding-DNA position 394, C replaced by T.
Protein change: p.Leu132Phe; replaces leucine 132 with phenylalanine.
Molecular consequence: missense variant.
Genome position (GRCh38, 1-based): chr16:89,919,652, C>T. VCF-style: chr16-89919652-C-T. GRCh37 (hg19) VCF-style: chr16-89986060-C-T.
Other names: short protein forms L132F.
Identifiers: ClinVar variation 4859653 (VCV004859653.1).

ClinVar aggregate classification (germline): Uncertain significance (1 of 4 stars; one submission).

Submission:

Ambry Genetics
Classification: Uncertain significance. Last evaluated: 2026-04-12. Review status: criteria provided, single submitter. Criteria: Ambry Variant Classification Scheme 2023. Collection method: clinical testing. Allele origin: germline.
Comment: The p.L132F variant (also known as c.394C>T), located in coding exon 1 of the MC1R gene, results from a C to T substitution at nucleotide position 394. The leucine at codon 132 is replaced by phenylalanine, an amino acid with highly similar properties. This amino acid position is conserved. In addition, this alteration is predicted to be tolerated by in silico analysis. Based on the available evidence, the clinical significance of this variant remains unclear.